The following is an entry in ClinVar:

ClinVar aggregate classification (germline): Uncertain significance (1 of 4 stars; one submission).

Submission:

GeneDx
Classification: Uncertain significance. Last evaluated: 2024-01-28. Review status: criteria provided, single submitter. Criteria: GeneDx Variant Classification Process June 2021. Collection method: clinical testing. Allele origin: germline. Affected: yes.
Comment: Not observed at significant frequency in large population cohorts (gnomAD); In silico analysis supports that this missense variant does not alter protein structure/function; Has not been previously published as pathogenic or benign to our knowledge

NM_002641.4(PIGA):c.137T>C (p.Met46Thr)

Gene: PIGA (phosphatidylinositol glycan anchor biosynthesis class A; minus strand). Cytogenetic location: Xp22.2.
Variant type: single nucleotide variant.
Coding change: c.137T>C on transcript NM_002641.4 (MANE Select); coding-DNA position 137, T replaced by C.
Protein change: p.Met46Thr; replaces methionine 46 with threonine.
Molecular consequence: missense variant. On other transcripts: non-coding transcript variant (1), intron variant (1).
Genome position (GRCh38, 1-based): chrX:15,331,794, A>G on the plus strand (T>C on the coding strand, the complement: PIGA is on the minus strand). VCF-style: chrX-15331794-A-G. GRCh37 (hg19) VCF-style: chrX-15349916-A-G.
Other names: c.13+3707T>C (NM_020473.3); short protein forms M46T.
Identifiers: ClinVar variation 3368477 (VCV003368477.1).